The following is an entry in ClinVar:

ClinVar aggregate classification (germline): Likely benign (1 of 4 stars; one submission).

Submission:

CeGaT Center for Human Genetics Tuebingen
Classification: Likely benign. Last evaluated: 2026-07-01. Review status: criteria provided, single submitter. Criteria: CeGaT Center For Human Genetics Tuebingen Variant Classification Criteria Version 2. Collection method: clinical testing. Allele origin: germline. Affected: yes. Observed: 1 variant allele.
Comment: CHD4: PM2:Supporting, BP4, BP7

NM_001273.5(CHD4):c.735G>A (p.Glu245=)

Gene: CHD4 (chromodomain helicase DNA binding protein 4; minus strand). Cytogenetic location: 12p13.31.
Variant type: single nucleotide variant.
Coding change: c.735G>A on transcript NM_001273.5 (MANE Select); coding-DNA position 735, G replaced by A.
Protein change: p.Glu245=; no amino-acid change (glutamic acid 245 retained).
Molecular consequence: synonymous variant.
Genome position (GRCh38, 1-based): chr12:6,601,353, C>T on the plus strand (G>A on the coding strand, the complement: CHD4 is on the minus strand). VCF-style: chr12-6601353-C-T. GRCh37 (hg19) VCF-style: chr12-6710519-C-T.
Other names: c.714G>A, p.Glu238= (NM_001297553.2); c.735G>A, p.Glu245= (NM_001363606.2).
Identifiers: ClinVar variation 5039421 (VCV005039421.1).